The following is an entry in ClinVar:

ClinVar aggregate classification (germline): Uncertain significance (1 of 4 stars; one submission).

Allele frequency attached by ClinVar (database versions not stated): ExAC 0.00001; gnomAD 0.00001; gnomAD exomes 0.00001.
gnomAD v4.1: 15 of 1,613,196 alleles (0.00093%); highest among the groups gnomAD compares: Middle Eastern, 0.017%; no homozygotes.

Submission:

Labcorp Genetics (formerly Invitae), Labcorp
Classification: Uncertain significance. Last evaluated: 2025-10-01. Review status: criteria provided, single submitter. Criteria: Invitae Variant Classification Sherloc (09022015). Collection method: clinical testing. Allele origin: germline.
Comment: This sequence change replaces methionine, which is neutral and non-polar, with valine, which is neutral and non-polar, at codon 360 of the QRSL1 protein (p.Met360Val). This variant is present in population databases (rs757923935, gnomAD 0.002%). This variant has not been reported in the literature in individuals affected with QRSL1-related conditions. ClinVar contains an entry for this variant (Variation ID: 1907779). An algorithm developed to predict the effect of missense changes on protein structure and function (PolyPhen-2) suggests that this variant is likely to be tolerated. In summary, the available evidence is currently insufficient to determine the role of this variant in disease. Therefore, it has been classified as a Variant of Uncertain Significance.

NM_018292.5(QRSL1):c.1078A>G (p.Met360Val)

Gene: QRSL1 (glutaminyl-tRNA amidotransferase subunit QRSL1; plus strand). Cytogenetic location: 6q21.
Variant type: single nucleotide variant.
Coding change: c.1078A>G on transcript NM_018292.5 (MANE Select); coding-DNA position 1078, A replaced by G.
Protein change: p.Met360Val; replaces methionine 360 with valine.
Molecular consequence: missense variant.
Genome position (GRCh38, 1-based): chr6:106,655,650, A>G. VCF-style: chr6-106655650-A-G. GRCh37 (hg19) VCF-style: chr6-107103525-A-G.
Other names: short protein forms M360V.
Identifiers: ClinVar variation 1907779 (VCV001907779.5), dbSNP rs757923935, ClinGen allele CA3944945.